The following is an entry in ClinVar:

NM_001242957.3(MAK):c.823G>A (p.Ala275Thr)

Gene: MAK (male germ cell associated kinase; minus strand). Cytogenetic location: 6p24.2.
Variant type: single nucleotide variant.
Coding change: c.823G>A on transcript NM_001242957.3 (MANE Select); coding-DNA position 823, G replaced by A.
Protein change: p.Ala275Thr; replaces alanine 275 with threonine.
Molecular consequence: missense variant. On other transcripts: non-coding transcript variant (2).
Genome position (GRCh38, 1-based): chr6:10,801,900, C>T on the plus strand (G>A on the coding strand, the complement: MAK is on the minus strand). VCF-style: chr6-10801900-C-T. GRCh37 (hg19) VCF-style: chr6-10802133-C-T.
Other names: c.823G>A, p.Ala275Thr (NM_001242385.2, NM_005906.6); c.721G>A, p.Ala241Thr (NM_001377262.1); short protein forms A241T, A275T.
Identifiers: ClinVar variation 1420846 (VCV001420846.5), dbSNP rs776892781, ClinGen allele CA3633625.

ClinVar aggregate classification (germline): Uncertain significance. Review status: criteria provided, multiple submitters, no conflicts (2 of 4 stars). 2 submissions from 2 submitters: Uncertain significance (2). Last evaluated 2024-02-23.

Allele frequency attached by ClinVar (database versions not stated): gnomAD exomes below 0.00001 and 0.00001; ExAC 0.00002; gnomAD 0.00004 and 0.00005; TOPMed 0.00004.
gnomAD v4.1: 9 of 1,614,010 alleles (0.00056%); highest among the groups gnomAD compares: African/African-American, 0.012%; no homozygotes.

Submissions (2):

Labcorp Genetics (formerly Invitae), Labcorp
Classification: Uncertain significance. Last evaluated: 2024-02-23. Review status: criteria provided, single submitter. Criteria: Invitae Variant Classification Sherloc (09022015). Collection method: clinical testing. Allele origin: germline.
Comment: This sequence change replaces alanine, which is neutral and non-polar, with threonine, which is neutral and polar, at codon 275 of the MAK protein (p.Ala275Thr). This variant is present in population databases (rs776892781, gnomAD 0.02%). This variant has not been reported in the literature in individuals affected with MAK-related conditions. ClinVar contains an entry for this variant (Variation ID: 1420846). Advanced modeling of protein sequence and biophysical properties (such as structural, functional, and spatial information, amino acid conservation, physicochemical variation, residue mobility, and thermodynamic stability) performed at Invitae indicates that this missense variant is not expected to disrupt MAK protein function with a negative predictive value of 80%. In summary, the available evidence is currently insufficient to determine the role of this variant in disease. Therefore, it has been classified as a Variant of Uncertain Significance.

Blueprint Genetics
Classification: Uncertain significance. Last evaluated: 2019-08-16. Review status: criteria provided, single submitter. Criteria: ACMG Guidelines, 2015. Collection method: clinical testing. Allele origin: germline.